The following is an entry in ClinVar:

ClinVar aggregate classification (germline): Uncertain significance (1 of 4 stars; one submission).

gnomAD v4.1: 2 of 1,613,950 alleles (0.00012%); highest among the groups gnomAD compares: Non-Finnish European, 0.00017%; no homozygotes.

Submission:

Ambry Genetics
Classification: Uncertain significance. Last evaluated: 2025-08-01. Review status: criteria provided, single submitter. Criteria: Ambry Variant Classification Scheme 2023. Collection method: clinical testing. Allele origin: germline.
Comment: The c.1196A>G (p.H399R) alteration is located in exon (coding exon ) of the SH3RF3 gene. This alteration results from a A to G substitution at nucleotide position 1196, causing the histidine (H) at amino acid position 399 to be replaced by an arginine (R). Based on insufficient or conflicting evidence, the clinical significance of this alteration remains unclear.

NM_001099289.3(SH3RF3):c.1196A>G (p.His399Arg)

Genes: RANBP2 (RAN binding protein 2; plus strand), SH3RF3 (SH3 domain containing ring finger 3; plus strand). Cytogenetic location: 2q13.
Variant type: single nucleotide variant.
Coding change: c.1196A>G on transcript NM_001099289.3 (MANE Select); coding-DNA position 1196, A replaced by G.
Protein change: p.His399Arg; replaces histidine 399 with arginine.
Molecular consequence: missense variant.
Genome position (GRCh38, 1-based): chr2:109,398,840, A>G. VCF-style: chr2-109398840-A-G. GRCh37 (hg19) VCF-style: chr2-110015296-A-G.
Other names: short protein forms H399R.
Identifiers: ClinVar variation 4164368 (VCV004164368.1).
Genomic context (GRCh38, chr2:109,398,840, plus strand): 5'-GCCACTCCTTCACCGCGCTCAGTGTGACGCACAGATCCTCCCAGGCTGCCAGCCACAGGC[A>G]TTCCATGGAAATTAGTGCTCCAGTGTTGATCAGCTCCAGCGATCCCCGAGCCGCGGCCAG-3'
Protein context (NP_001092759.1, residues 389-409): HRSSQAASHR[His399Arg]SMEISAPVLI